The following is an entry in ClinVar:

ClinVar aggregate classification (germline): Pathogenic (1 of 4 stars; one submission).

Conditions:
Hereditary hemorrhagic telangiectasia (HHT). Also called: ORW DISEASE; Osler Weber Rendu syndrome; OSLER-RENDU-WEBER DISEASE; Osler hemorrhagic telangiectasia syndrome. Identifiers: Orphanet 774, MedGen C0039445, MONDO:0019180. Disease mechanism: loss of function.

Submission:

Labcorp Genetics (formerly Invitae), Labcorp
Classification: Pathogenic for Hereditary hemorrhagic telangiectasia. Last evaluated: 2023-02-05. Review status: criteria provided, single submitter. Criteria: Invitae Variant Classification Sherloc (09022015). Collection method: clinical testing. Allele origin: unknown.
Comment: For these reasons, this variant has been classified as Pathogenic. This variant is a gross deletion of the genomic region encompassing exon(s) 2-8 of the ENG gene. This deletion is out-of-frame, and is expected to create a premature termination codon and result in an absent or disrupted protein product. Loss-of-function variants in ENG are known to be pathogenic (PMID: 15879500). This variant has not been reported in the literature in individuals affected with ENG-related conditions.

Literature cited by the submitters: PubMed 15879500.

NC_000009.11:g.(?_130586573)_(130605542_?)del

Gene: ENG (endoglin; minus strand). Cytogenetic location: 9q34.11.
Variant type: Deletion.
Identifiers: ClinVar variation 3245082 (VCV003245082.1).